The following is an entry in ClinVar:

NM_032436.4(CHAMP1):c.2009A>T (p.Lys670Ile)

Gene: CHAMP1 (chromosome alignment maintaining phosphoprotein 1; plus strand). Cytogenetic location: 13q34.
Variant type: single nucleotide variant.
Coding change: c.2009A>T on transcript NM_032436.4 (MANE Select); coding-DNA position 2009, A replaced by T.
Protein change: p.Lys670Ile; replaces lysine 670 with isoleucine.
Molecular consequence: missense variant.
Genome position (GRCh38, 1-based): chr13:114,325,851, A>T. VCF-style: chr13-114325851-A-T. GRCh37 (hg19) VCF-style: chr13-115091326-A-T.
Other names: c.2009A>T, p.Lys670Ile (NM_001164144.3, NM_001164145.3); short protein forms K670I.
Identifiers: ClinVar variation 4976529 (VCV004976529.1).

ClinVar aggregate classification (germline): Uncertain significance (1 of 4 stars; one submission).

gnomAD v4.1: 1 of 1,614,212 alleles (0.000062%); no homozygotes.

Submission:

GeneDx
Classification: Uncertain significance. Last evaluated: 2026-02-09. Review status: criteria provided, single submitter. Criteria: GeneDx Variant Classification Process June 2021. Collection method: clinical testing. Allele origin: germline.
Comment: Not observed at significant frequency in large population cohorts (gnomAD); In silico analysis supports that this missense variant has a deleterious effect on protein structure/function; Has not been previously published as pathogenic or benign to our knowledge